The following is an entry in ClinVar:

NM_001110556.2(FLNA):c.5509_5523del (p.Ala1837_Glu1841del)

Gene: FLNA (filamin A; minus strand). Cytogenetic location: Xq28.
Variant type: Deletion.
Coding change: c.5509_5523del on transcript NM_001110556.2 (MANE Select); coding-DNA positions 5509 to 5523, 15 bases deleted (GCTGGCCTGCACGAG).
Protein change: p.Ala1837_Glu1841del.
Molecular consequence: inframe deletion.
Genome position (GRCh38, 1-based): chrX:154,354,185-154,354,199, CTCGTGCAGGCCAGC deleted on the plus strand (GCTGGCCTGCACGAG on the coding strand, the reverse complement: FLNA is on the minus strand); deleting any 15 consecutive bases within chrX:154,354,185-154,354,203 gives the same sequence; the c. name uses the placement nearest the transcript's 3' end. VCF-style (leftmost placement, unchanged base first): chrX-154354184-TCTCGTGCAGGCCAGC-T. GRCh37 (hg19) VCF-style: chrX-153582552-TCTCGTGCAGGCCAGC-T.
Other names: c.5485_5499del, p.Ala1829_Glu1833del (NM_001456.4).
Identifiers: ClinVar variation 4854828 (VCV004854828.1).

ClinVar aggregate classification (germline): Uncertain significance (1 of 4 stars; one submission).

Conditions:
Oto-palato-digital syndrome, type II (OPD2). Also called: Otopalatodigital Syndrome, Type II; Otopalatodigital Syndrome Type 2 (FLNA-OPD2); FACIOPALATOOSSEOUS SYNDROME; OPD II SYNDROME. Identifiers: Orphanet 669, Orphanet 90652, MedGen C1844696, MONDO:0010571, OMIM 304120.

Submission:

3billion
Classification: Uncertain significance for Oto-palato-digital syndrome, type II. Last evaluated: 2025-07-21. Review status: criteria provided, single submitter. Criteria: ACMG Guidelines, 2015. Collection method: clinical testing. Allele origin: germline. Affected: yes.
Comment: The variant is not observed in the gnomAD v4.1.0 dataset. Predicted Consequence/Location: Inframe deletion located in a nonrepeat region: predicted to change the length of the protein and disrupt normal protein function. In silico tools predict the variant to alter splicing and produce an abnormal transcript [SpliceAI: 0.21 (spliceogenicity >=0.2, non-spliceogenicity <0.1)]. Therefore, this variant is classified as VUS according to the recommendation of ACMG/AMP guideline.